The following is an entry in ClinVar:

ClinVar aggregate classification (germline): Pathogenic (1 of 4 stars; one submission).

Submission:

Labcorp Genetics (formerly Invitae), Labcorp
Classification: Pathogenic. Last evaluated: 2025-08-08. Review status: criteria provided, single submitter. Criteria: Invitae Variant Classification Sherloc (09022015). Collection method: clinical testing. Allele origin: germline.
Comment: This sequence change creates a premature translational stop signal (p.Lys746*) in the RP1 gene. While this is not anticipated to result in nonsense mediated decay, it is expected to disrupt the last 1411 amino acid(s) of the RP1 protein. This variant is not present in population databases (gnomAD no frequency). This variant has not been reported in the literature in individuals affected with RP1-related conditions. This variant disrupts the C-terminus of the RP1 protein. Many variants that disrupt this region have been reported in individuals with either autosomal dominant or autosomal recessive retinitis pigmentosa (PMID: 11527933, 19933189, 29425069, 30027431, 33681214). Therefore, variants that disrupt this region are expected to be disease-causing. For these reasons, this variant has been classified as Pathogenic.

Literature cited by the submitters: PubMed 11527933; PubMed 19933189; PubMed 29425069; PubMed 30027431; PubMed 33681214.

NM_006269.2(RP1):c.2236A>T (p.Lys746Ter)

Gene: RP1 (RP1 axonemal microtubule associated; plus strand). Cytogenetic location: 8q12.1.
Variant type: single nucleotide variant.
Coding change: c.2236A>T on transcript NM_006269.2 (MANE Select); coding-DNA position 2236, A replaced by T.
Protein change: p.Lys746Ter; replaces lysine 746 with a stop codon.
Molecular consequence: nonsense. On other transcripts: intron variant (1).
Genome position (GRCh38, 1-based): chr8:54,626,118, A>T. VCF-style: chr8-54626118-A-T. GRCh37 (hg19) VCF-style: chr8-55538678-A-T.
Other names: c.787+3830A>T (NM_001375654.1); short protein forms K746*.
Identifiers: ClinVar variation 4724834 (VCV004724834.1).